The following is an entry in ClinVar:

NM_013266.4(CTNNA3):c.1021G>T (p.Asp341Tyr)

Gene: CTNNA3 (catenin alpha 3; minus strand). Cytogenetic location: 10q21.3.
Variant type: single nucleotide variant.
Coding change: c.1021G>T on transcript NM_013266.4 (MANE Select); coding-DNA position 1021, G replaced by T.
Protein change: p.Asp341Tyr; replaces aspartic acid 341 with tyrosine.
Molecular consequence: missense variant.
Genome position (GRCh38, 1-based): chr10:67,180,343, C>A on the plus strand (G>T on the coding strand, the complement: CTNNA3 is on the minus strand). VCF-style: chr10-67180343-C-A. GRCh37 (hg19) VCF-style: chr10-68940101-C-A.
Other names: c.1021G>T, p.Asp341Tyr (NM_001127384.3); c.1057G>T, p.Asp353Tyr (NM_001291133.2); short protein forms D341Y, D353Y.
Identifiers: ClinVar variation 2450204 (VCV002450204.3), dbSNP rs2547990114, ClinGen allele CA377096769.

ClinVar aggregate classification (germline): Uncertain significance (1 of 4 stars; one submission).

Submission:

Ambry Genetics
Classification: Uncertain significance. Last evaluated: 2025-03-31. Review status: criteria provided, single submitter. Criteria: Ambry Variant Classification Scheme 2023. Collection method: clinical testing. Allele origin: germline.
Comment: The p.D341Y variant (also known as c.1021G>T), located in coding exon 6 of the CTNNA3 gene, results from a G to T substitution at nucleotide position 1021. The aspartic acid at codon 341 is replaced by tyrosine, an amino acid with highly dissimilar properties. This amino acid position is conserved. In addition, the in silico prediction for this alteration is inconclusive. Since supporting evidence is limited at this time, the clinical significance of this alteration remains unclear.